The following is an entry in ClinVar:

NM_000038.6(APC):c.1892_1904delinsAAT (p.Ile631fs)

Gene: APC (APC regulator of Wnt signaling pathway; plus strand). Cytogenetic location: 5q22.2.
Variant type: Indel.
Coding change: c.1892_1904delinsAAT on transcript NM_000038.6 (MANE Select); coding-DNA positions 1892 to 1904, TTATTGAAAGTGG replaced by AAT.
Protein change: p.Ile631fs; shifts the reading frame from isoleucine 631.
Molecular consequence: frameshift variant.
Genome position (GRCh38, 1-based): chr5:112,835,099-112,835,111, TTATTGAAAGTGG replaced by AAT. VCF-style: chr5-112835099-TTATTGAAAGTGG-AAT. GRCh37 (hg19) VCF-style: chr5-112170796-TTATTGAAAGTGG-AAT.
Other names: c.1892_1904delinsAAT, p.Ile631fs (NM_001127510.3, NM_001354895.2); c.1838_1850delinsAAT, p.Ile613fs (NM_001127511.3); c.1946_1958delinsAAT, p.Ile649fs (NM_001354896.2); c.1922_1934delinsAAT, p.Ile641fs (NM_001354897.2); c.1817_1829delinsAAT, p.Ile606fs (NM_001354898.2); c.1808_1820delinsAAT, p.Ile603fs (NM_001354899.2); c.1769_1781delinsAAT, p.Ile590fs (NM_001354900.2); c.1715_1727delinsAAT, p.Ile572fs (NM_001354901.2); and 6 more; short protein forms I471fs, I505fs, I530fs, I572fs, I606fs, I631fs, I590fs, I613fs.
Identifiers: ClinVar variation 217937 (VCV000217937.11), dbSNP rs863225319, ClinGen allele CA279732.
Genomic context (GRCh38, chr5:112,835,099, plus strand): 5'-GTGCACTTGCATTTTTGGTTGGCACTCTTACTTACCGGAGCCAGACAAACACTTTAGCCA[TTATTGAAAGTGG>AAT]AGGTGGGATATTACGGAATGTGTCCAGCTTGATAGCTACAAATGAGGACCACAGGTATAT-3'

ClinVar aggregate classification (germline): Pathogenic/Likely pathogenic. Review status: criteria provided, multiple submitters, no conflicts (2 of 4 stars). 4 submissions from 4 submitters: Pathogenic (2); Likely pathogenic (1). 1 of the submissions does not count toward it. Last evaluated 2023-05-03.

Conditions:
Familial multiple polyposis syndrome (FAP). Also called: Familial intestinal polyposis; Classic familial adenomatous polyposis; Familial adenomatous polyposis; Familial Adenomatous Polyposis (FAP); Familial polyposis. Identifiers: Orphanet 733, MedGen C0032580, MONDO:0021055. Disease mechanism: loss of function.
Familial adenomatous polyposis 1 (FAP1). Also called: FAMILIAL ADENOMATOUS POLYPOSIS 1, ATTENUATED; POLYPOSIS, ADENOMATOUS INTESTINAL. Identifiers: MedGen C2713442, MONDO:0021056, OMIM 175100. Disease mechanism: loss of function.

Submissions (4):

Myriad Genetics, Inc.
Classification: Pathogenic for Familial adenomatous polyposis 1. Last evaluated: 2023-05-03. Review status: criteria provided, single submitter. Criteria: Myriad Autosomal Dominant, Autosomal Recessive and X-Linked Classification Criteria (2023). Collection method: clinical testing. Allele origin: unknown.
Comment: This variant is considered pathogenic. This variant creates a frameshift predicted to result in premature protein truncation.

Women's Health and Genetics/Laboratory Corporation of America, LabCorp
Classification: Likely pathogenic for Familial adenomatous polyposis. Last evaluated: 2019-06-24. Review status: criteria provided, single submitter. Criteria: LabCorp Variant Classification Summary - May 2015. Collection method: clinical testing. Allele origin: germline.
Comment: Variant summary: APC c.1892_1904delinsAAT (p.Ile631LysfsX2) results in a premature termination codon, predicted to cause a truncation of the encoded protein or absence of the protein due to nonsense mediated decay, which are commonly known mechanisms for disease. Truncations downstream of this position have been classified as pathogenic by our laboratory (c.2547_2550delTAGA, p.Asp849fsX11; c.3183_3187delACAAA, p.Gln1062fsX1; c.3927_3931delAAAGA, p.Glu1309fsX4). The variant was absent in 251346 control chromosomes (gnomAD). To our knowledge, no occurrence of c.1892_1904delinsAAT in individuals affected with Familial Adenomatous Polyposis and no experimental evidence demonstrating its impact on protein function have been reported. One ClinVar submission from a clinical diagnostic laboratory (evaluation after 2014) cites the variant as pathogenic. Based on the evidence outlined above, the variant was classified as likely pathogenic.

Labcorp Genetics (formerly Invitae), Labcorp
Classification: Pathogenic for Familial adenomatous polyposis 1. Last evaluated: 2016-06-25. Review status: criteria provided, single submitter. Criteria: Invitae Variant Classification Sherloc (09022015). Collection method: clinical testing. Allele origin: germline.
Comment: For these reasons, this variant has been classified as Pathogenic. While this particular variant has not been reported in the literature, truncating variants in APC are known to be pathogenic (PMID: 20685668, 17963004). This sequence change deletes 13 nucleotides and inserts 3 nucleotides in exon 15 of the APC mRNA (c.1892_1904delTTATTGAAAGTGGinsAAT), causing a frameshift at codon 631. This creates a premature translational stop signal (p.Ile631Lysfs*2) and is expected to result in an absent or disrupted protein product.

Mayo Clinic Laboratories, Mayo Clinic
Classification: Likely pathogenic. Review status: no assertion criteria provided. Collection method: research. Allele origin: unknown. Observed: 1 variant allele. Not counted in ClinVar's aggregate classification.

Literature cited by the submitters: PubMed 20685668 (cited by Labcorp Genetics (formerly Invitae), Labcorp); PubMed 17963004 (cited by Labcorp Genetics (formerly Invitae), Labcorp).